The following is an entry in ClinVar:

NM_001042492.3:c.(4577+1_4578-1)_(4835+1_4836-1)del

Gene: NF1 (neurofibromin 1; plus strand).
Variant type: Deletion.
Other names: c.(4577+1_4578-1)_(4835+1_4836-1)del (NM_001042492.3).
Identifiers: ClinVar variation 4857615 (VCV004857615.1).

ClinVar aggregate classification (germline): Pathogenic (1 of 4 stars; one submission).

Conditions:
Neurofibromatosis, type 1 (NF1). Also called: NEUROFIBROMATOSIS, TYPE I, SOMATIC; Peripheral type neurofibromatosis; Neurofibromatosis, type I; VON RECKLINGHAUSEN DISEASE. Identifiers: Orphanet 636, MedGen C0027831, MONDO:0018975, OMIM 162200. Disease mechanism: loss of function.

Submission:

Regional Center For Medical Genetics Timis, Louis Turcanu Emergency Hospital for Children Timisoara
Classification: Pathogenic for Neurofibromatosis, type 1. Review status: criteria provided, single submitter. Criteria: ACMG Guidelines, 2015. Collection method: clinical testing. Allele origin: unknown. Affected: yes.
Comment: This variant is a deletion of the genomic region encompassing exons 35-36 of the NF1 gene. While this deletion is not anticipated to result in nonsense mediated decay, it is expected to create a truncated protein product. Multiple missense variants located within the deleted region, have been determined to be pathogenic. This suggests that this region is critical for NF1 protein function and that the deletion of the NF1 protein may also be pathogenic. The patient's phenotype is specific for NF1. For these reasons, this variant has been classified as pathogenic.